The following is an entry in ClinVar:

NM_001368809.2(AMPD2):c.314G>T (p.Arg105Leu)

Gene: AMPD2 (adenosine monophosphate deaminase 2; plus strand). Cytogenetic location: 1p13.3.
Variant type: single nucleotide variant.
Coding change: c.314G>T on transcript NM_001368809.2 (MANE Select); coding-DNA position 314, G replaced by T.
Protein change: p.Arg105Leu; replaces arginine 105 with leucine.
Molecular consequence: missense variant.
Genome position (GRCh38, 1-based): chr1:109,625,753, G>T. VCF-style: chr1-109625753-G-T. GRCh37 (hg19) VCF-style: chr1-110168375-G-T.
Other names: c.122G>T, p.Arg41Leu (NM_001257361.2); c.251G>T, p.Arg84Leu (NM_001308170.1); c.314G>T, p.Arg105Leu (NM_004037.9); c.233G>T, p.Arg78Leu (NM_139156.4); short protein forms R41L, R78L, R84L, R105L.
Identifiers: ClinVar variation 1381102 (VCV001381102.8), dbSNP rs1650618181, ClinGen allele CA341554472.

ClinVar aggregate classification (germline): Uncertain significance (1 of 4 stars; one submission).

Conditions:
Hereditary spastic paraplegia 63. Also called: Spastic paraplegia 63, autosomal recessive. Identifiers: Orphanet 401805, MedGen C3810295, MONDO:0014305, OMIM 615686.
Pontocerebellar hypoplasia type 9. Identifiers: Orphanet 369920, MedGen C4014354, MONDO:0014351, OMIM 615809.

Submission:

Labcorp Genetics (formerly Invitae), Labcorp
Classification: Uncertain significance for Pontocerebellar hypoplasia type 9; Hereditary spastic paraplegia 63. Last evaluated: 2022-10-05. Review status: criteria provided, single submitter. Criteria: Invitae Variant Classification Sherloc (09022015). Collection method: clinical testing. Allele origin: germline.
Comment: In summary, the available evidence is currently insufficient to determine the role of this variant in disease. Therefore, it has been classified as a Variant of Uncertain Significance. Algorithms developed to predict the effect of missense changes on protein structure and function are either unavailable or do not agree on the potential impact of this missense change (SIFT: "Deleterious"; PolyPhen-2: "Benign"; Align-GVGD: "Class C25"). ClinVar contains an entry for this variant (Variation ID: 1381102). This variant has not been reported in the literature in individuals affected with AMPD2-related conditions. This variant is not present in population databases (gnomAD no frequency). This sequence change replaces arginine, which is basic and polar, with leucine, which is neutral and non-polar, at codon 159 of the AMPD2 protein (p.Arg159Leu).